The following is an entry in ClinVar:

ClinVar aggregate classification (germline): Conflicting classifications of pathogenicity. Review status: criteria provided, conflicting classifications (1 of 4 stars). 14 submissions from 14 submitters: Uncertain significance (1); Benign (5); Likely benign (4). 4 of the submissions do not count toward it. Last evaluated 2026-08-01.

Conditions:
Hereditary cancer-predisposing syndrome. Also called: Hereditary neoplastic syndrome; Neoplastic Syndromes, Hereditary; Hereditary Cancer Syndrome; Tumor predisposition. Identifiers: Orphanet 140162, MedGen C0027672, MeSH D009386, MONDO:0015356.
Hereditary diffuse gastric adenocarcinoma (HDGC). Also called: DIFFUSE GASTRIC AND LOBULAR BREAST CANCER SYNDROME. Identifiers: Orphanet 26106, MedGen C1708349, MONDO:0007648, OMIM 137215.
CTNNA1-related disorder. Also called: CTNNA1-related condition.
Hereditary nonpolyposis colon cancer (HNPCC). Also called: Hereditary Nonpolyposis Colorectal Cancer Syndrome; Hereditary nonpolyposis colorectal cancer; Familial nonpolyposis colon cancer. Identifiers: Orphanet 443909, MedGen C1333990, MONDO:0018630. Disease mechanism: loss of function.

Allele frequency attached by ClinVar (database versions not stated): 1000 Genomes Project 30x 0.00047; 1000 Genomes Project 0.00060; gnomAD exomes 0.00117 and 0.00211; ExAC 0.00118; gnomAD 0.00148 and 0.00153; TOPMed 0.00150; ESP Exome Variant Server 0.00161.
gnomAD v4.1: 3,260 of 1,613,660 alleles (0.2%); highest among the groups gnomAD compares: Non-Finnish European, 0.26%; 3 homozygotes.

Submissions (14):

CeGaT Center for Human Genetics Tuebingen
Classification: Benign. Last evaluated: 2026-08-01. Review status: criteria provided, single submitter. Criteria: CeGaT Center For Human Genetics Tuebingen Variant Classification Criteria Version 2. Collection method: clinical testing. Allele origin: germline. Affected: yes. Observed: 13 variant alleles.
Comment: CTNNA1: PP2, BS1, BS2

Labcorp Genetics (formerly Invitae), Labcorp
Classification: Benign. Last evaluated: 2026-02-03. Review status: criteria provided, single submitter. Criteria: Invitae Variant Classification Sherloc (09022015). Collection method: clinical testing. Allele origin: germline.

Center for Genomic Medicine, Rigshospitalet, Copenhagen University Hospital
Classification: Uncertain significance. Last evaluated: 2025-12-29. Review status: criteria provided, single submitter. Criteria: ACMG Guidelines, 2015. Collection method: clinical testing. Allele origin: germline.

Mayo Clinic Laboratories, Mayo Clinic
Classification: Likely benign. Last evaluated: 2025-05-15. Review status: criteria provided, single submitter. Criteria: ACMG Guidelines, 2015. Collection method: clinical testing. Allele origin: germline. Observed: 4 variant alleles.
Comment: BS1, BP4

Blueprint Genetics
Classification: Likely benign. Last evaluated: 2024-11-07. Review status: criteria provided, single submitter. Criteria: ACMG Guidelines, 2015. Collection method: clinical testing. Allele origin: germline.

Myriad Genetics, Inc.
Classification: Benign for Hereditary diffuse gastric adenocarcinoma. Last evaluated: 2024-10-10. Review status: criteria provided, single submitter. Criteria: Myriad Autosomal Dominant, Autosomal Recessive and X-Linked Classification Criteria (2023). Collection method: clinical testing. Allele origin: unknown.
Comment: This variant is considered benign. This variant has been observed at a population frequency that is significantly greater than expected given the associated disease prevalence and penetrance. Homozygosity has been confirmed in one or more individuals. As homozygosity for pathogenic variants in this gene is generally assumed to result in embryonic lethality, this variant is unlikely to be pathogenic.

Department of Pathology and Laboratory Medicine, Sinai Health System
Classification: Benign for hereditary nonpolyposis colon cancer. Last evaluated: 2024-05-31. Review status: criteria provided, single submitter. Criteria: ACMG Guidelines, 2015. Collection method: clinical testing. Allele origin: germline. Affected: yes.

Genetic Services Laboratory, University of Chicago
Classification: Benign. Last evaluated: 2021-06-17. Review status: criteria provided, single submitter. Criteria: ACMG Guidelines, 2015. Collection method: clinical testing. Allele origin: germline. Affected: no.

Ambry Genetics
Classification: Likely benign for Hereditary cancer-predisposing syndrome. Last evaluated: 2019-04-26. Review status: criteria provided, single submitter. Criteria: Ambry Variant Classification Scheme 2023. Collection method: clinical testing. Allele origin: germline.

Breakthrough Genomics
Classification: Likely benign. Review status: criteria provided, single submitter. Criteria: ACMG Guidelines, 2015. Collection method: not provided. Allele origin: germline. Inheritance: Autosomal dominant inheritance. Affected: yes.

PreventionGenetics, part of Exact Sciences
Classification: Likely benign for CTNNA1-related condition. Last evaluated: 2019-07-23. Review status: no assertion criteria provided. Collection method: clinical testing. Allele origin: germline. Not counted in ClinVar's aggregate classification.
Comment: This variant is classified as likely benign based on ACMG/AMP sequence variant interpretation guidelines (Richards et al. 2015 PMID: 25741868, with internal and published modifications).

Clinical Genetics DNA and cytogenetics Diagnostics Lab, Erasmus MC, Erasmus Medical Center
Classification: Likely benign. Review status: no assertion criteria provided. Collection method: clinical testing. Allele origin: germline. Affected: yes. Study: VKGL Data-share Consensus. Not counted in ClinVar's aggregate classification.

Clinical Genetics, Academic Medical Center
Classification: Likely benign. Review status: no assertion criteria provided. Collection method: clinical testing. Allele origin: germline. Affected: yes. Study: VKGL Data-share Consensus. Not counted in ClinVar's aggregate classification.

Joint Genome Diagnostic Labs from Nijmegen and Maastricht, Radboudumc and MUMC+
Classification: Likely benign. Review status: no assertion criteria provided. Collection method: clinical testing. Allele origin: germline. Affected: yes. Study: VKGL Data-share Consensus. Not counted in ClinVar's aggregate classification.

NM_001903.5(CTNNA1):c.536C>T (p.Ala179Val)

Gene: CTNNA1 (catenin alpha 1; plus strand). Cytogenetic location: 5q31.2.
Variant type: single nucleotide variant.
Coding change: c.536C>T on transcript NM_001903.5 (MANE Select); coding-DNA position 536, C replaced by T.
Protein change: p.Ala179Val; replaces alanine 179 with valine.
Molecular consequence: missense variant.
Genome position (GRCh38, 1-based): chr5:138,812,250, C>T. VCF-style: chr5-138812250-C-T. GRCh37 (hg19) VCF-style: chr5-138147939-C-T.
Other names: p.Ala179Val; c.536C>T, p.Ala179Val (NM_001290307.3, NM_001323982.2, NM_001323983.1 and 3 more transcripts); c.227C>T, p.Ala76Val (NM_001290309.3); c.167C>T, p.Ala56Val (NM_001290310.3); c.536C>T (NM_001903.4); short protein forms A179V, A56V, A76V.
Identifiers: ClinVar variation 415353 (VCV000415353.55), dbSNP rs28363394, ClinGen allele CA3431473.